The following is an entry in ClinVar:

NM_020458.4(TTC7A):c.1090C>T (p.Arg364Trp)

Gene: TTC7A (tetratricopeptide repeat domain 7A; plus strand). Cytogenetic location: 2p21.
Variant type: single nucleotide variant.
Coding change: c.1090C>T on transcript NM_020458.4 (MANE Select); coding-DNA position 1090, C replaced by T.
Protein change: p.Arg364Trp; replaces arginine 364 with tryptophan.
Molecular consequence: missense variant.
Genome position (GRCh38, 1-based): chr2:47,005,946, C>T. VCF-style: chr2-47005946-C-T. GRCh37 (hg19) VCF-style: chr2-47233085-C-T.
Other names: c.1090C>T, p.Arg364Trp (NM_001288951.2); c.988C>T, p.Arg330Trp (NM_001288953.2); c.28C>T, p.Arg10Trp (NM_001288955.2); short protein forms R10W, R330W, R364W.
Identifiers: ClinVar variation 998459 (VCV000998459.8), dbSNP rs746226404, ClinGen allele CA1647496.

ClinVar aggregate classification (germline): Uncertain significance (1 of 4 stars; one submission).

Conditions:
Multiple gastrointestinal atresias. Also called: FAMILIAL INTESTINAL POLYATRESIA SYNDROME; Multiple intestinal atresia. Identifiers: Orphanet 2300, MedGen C0220744, MONDO:0009465.

Allele frequency attached by ClinVar (database versions not stated): ExAC 0.00001; gnomAD 0.00001; gnomAD exomes 0.00002; TOPMed 0.00003.
gnomAD v4.1: 13 of 1,613,996 alleles (0.00081%); highest among the groups gnomAD compares: African/African-American, 0.004%; no homozygotes.

Submission:

Labcorp Genetics (formerly Invitae), Labcorp
Classification: Uncertain significance for Multiple gastrointestinal atresias. Last evaluated: 2020-01-05. Review status: criteria provided, single submitter. Criteria: Invitae Variant Classification Sherloc (09022015). Collection method: clinical testing. Allele origin: germline.
Comment: This variant is present in population databases (rs746226404, ExAC 0.01%). This sequence change replaces arginine with tryptophan at codon 364 of the TTC7A protein (p.Arg364Trp). The arginine residue is moderately conserved and there is a moderate physicochemical difference between arginine and tryptophan. This variant has not been reported in the literature in individuals with TTC7A-related conditions. In summary, the available evidence is currently insufficient to determine the role of this variant in disease. Therefore, it has been classified as a Variant of Uncertain Significance. Algorithms developed to predict the effect of missense changes on protein structure and function are either unavailable or do not agree on the potential impact of this missense change (SIFT: "Deleterious"; PolyPhen-2: "Probably Damaging"; Align-GVGD: "Class C0").